The following is an entry in ClinVar:

NM_004260.4(RECQL4):c.2026C>T (p.Leu676Phe)

Gene: RECQL4 (RecQ like helicase 4; minus strand). Cytogenetic location: 8q24.3.
Variant type: single nucleotide variant.
Coding change: c.2026C>T on transcript NM_004260.4 (MANE Select); coding-DNA position 2026, C replaced by T.
Protein change: p.Leu676Phe; replaces leucine 676 with phenylalanine.
Molecular consequence: missense variant.
Genome position (GRCh38, 1-based): chr8:144,513,960, G>A on the plus strand (C>T on the coding strand, the complement: RECQL4 is on the minus strand). VCF-style: chr8-144513960-G-A. GRCh37 (hg19) VCF-style: chr8-145739344-G-A.
Other names: short protein forms L676F.
Identifiers: ClinVar variation 861685 (VCV000861685.7), dbSNP rs1412869186, ClinGen allele CA372680284.

ClinVar aggregate classification (germline): Uncertain significance. Review status: criteria provided, multiple submitters, no conflicts (2 of 4 stars). 2 submissions from 2 submitters: Uncertain significance (2). Last evaluated 2026-04-11.

Conditions:
Inborn genetic diseases. Identifiers: MedGen C0950123, MeSH D030342.
Baller-Gerold syndrome (BGS). Also called: CRANIOSYNOSTOSIS WITH RADIAL DEFECTS. Identifiers: Orphanet 1225, MedGen C0265308, MONDO:0009039, OMIM 218600.

Allele frequency attached by ClinVar (database versions not stated): gnomAD exomes below 0.00001 and 0.00001.

Submissions (2):

Ambry Genetics
Classification: Uncertain significance for Inborn genetic diseases. Last evaluated: 2026-04-11. Review status: criteria provided, single submitter. Criteria: Ambry Variant Classification Scheme 2023. Collection method: clinical testing. Allele origin: germline.
Comment: The p.L676F variant (also known as c.2026C>T), located in coding exon 12 of the RECQL4 gene, results from a C to T substitution at nucleotide position 2026. The leucine at codon 676 is replaced by phenylalanine, an amino acid with highly similar properties. This amino acid position is conserved. In addition, the in silico prediction for this alteration is inconclusive. Based on the available evidence, the clinical significance of this variant remains unclear.

Labcorp Genetics (formerly Invitae), Labcorp
Classification: Uncertain significance for Baller-Gerold syndrome. Last evaluated: 2023-07-24. Review status: criteria provided, single submitter. Criteria: Invitae Variant Classification Sherloc (09022015). Collection method: clinical testing. Allele origin: germline.
Comment: This sequence change replaces leucine, which is neutral and non-polar, with phenylalanine, which is neutral and non-polar, at codon 676 of the RECQL4 protein (p.Leu676Phe). The frequency data for this variant in the population databases is considered unreliable, as metrics indicate poor data quality at this position in the gnomAD database. This variant has not been reported in the literature in individuals affected with RECQL4-related conditions. ClinVar contains an entry for this variant (Variation ID: 861685). Advanced modeling of protein sequence and biophysical properties (such as structural, functional, and spatial information, amino acid conservation, physicochemical variation, residue mobility, and thermodynamic stability) performed at Invitae indicates that this missense variant is expected to disrupt RECQL4 protein function. In summary, the available evidence is currently insufficient to determine the role of this variant in disease. Therefore, it has been classified as a Variant of Uncertain Significance.